The following is an entry in ClinVar:

NM_182943.3(PLOD2):c.1949T>C (p.Phe650Ser)

Gene: PLOD2 (procollagen-lysine,2-oxoglutarate 5-dioxygenase 2; minus strand). Cytogenetic location: 3q24.
Variant type: single nucleotide variant.
Coding change: c.1949T>C on transcript NM_182943.3 (MANE Select); coding-DNA position 1949, T replaced by C.
Protein change: p.Phe650Ser; replaces phenylalanine 650 with serine.
Molecular consequence: missense variant.
Genome position (GRCh38, 1-based): chr3:146,071,323, A>G on the plus strand (T>C on the coding strand, the complement: PLOD2 is on the minus strand). VCF-style: chr3-146071323-A-G. GRCh37 (hg19) VCF-style: chr3-145789110-A-G.
Other names: c.1886T>C, p.Phe629Ser (NM_000935.3); short protein forms F629S, F650S.
Identifiers: ClinVar variation 391826 (VCV000391826.2), dbSNP rs1057524250, ClinGen allele CA16604821.

ClinVar aggregate classification (germline): Likely pathogenic (1 of 4 stars; one submission).

Submission:

GeneDx
Classification: Likely pathogenic. Last evaluated: 2017-01-05. Review status: criteria provided, single submitter. Criteria: GeneDx Variant Classification (06012015). Collection method: clinical testing. Allele origin: germline. Affected: yes.
Comment: The F650S variant in the PLOD2 gene has not been reported previously as a pathogenic variant, nor as a benign variant, to our knowledge. The F650S variant was not observed in approximately 6500 individuals of European and African American ancestry in the NHLBI Exome Sequencing Project, indicating it is not a common benign variant in these populations. The F650S variant is a non-conservative amino acid substitution, which is likely to impact secondary protein structure as these residues differ in polarity, charge, size and/or other properties. This substitution occurs at a position that is conserved in mammals. In silico analysis predicts this variant is probably damaging to the protein structure/function. The F650S variant is a strong candidate for a pathogenic variant, however the possibility it may be a rare benign variant cannot be excluded.